The following is an entry in ClinVar:

NM_001161352.2(KCNMA1):c.70_73del (p.Leu23_Arg24insTer)

Gene: KCNMA1 (potassium calcium-activated channel subfamily M alpha 1; minus strand). Cytogenetic location: 10q22.3.
Variant type: Deletion.
Coding change: c.70_73del on transcript NM_001161352.2 (MANE Select); coding-DNA positions 70 to 73, 4 bases deleted (AGAA; older notation c.70_73delAGAA).
Protein change: p.Leu23_Arg24insTer.
Molecular consequence: nonsense.
Genome position (GRCh38, 1-based): chr10:77,637,570-77,637,573, TTCT deleted on the plus strand (AGAA on the coding strand, the reverse complement: KCNMA1 is on the minus strand). VCF-style (leftmost placement, unchanged base first): chr10-77637569-ATTCT-A. GRCh37 (hg19) VCF-style: chr10-79397327-ATTCT-A.
Other names: c.70_73del, p.Leu23_Arg24insTer (NM_001014797.3, NM_001161353.2, NM_001271518.2 and 12 more transcripts); c.70_73del (NM_002247.3).
Identifiers: ClinVar variation 1447009 (VCV001447009.7), dbSNP rs2093893902, ClinGen allele CA930199155.

ClinVar aggregate classification (germline): Pathogenic/Likely pathogenic. Review status: criteria provided, multiple submitters, no conflicts (2 of 4 stars). 2 submissions from 2 submitters: Pathogenic (1); Likely pathogenic (1). Last evaluated 2023-08-26.

Conditions:
Generalized epilepsy-paroxysmal dyskinesia syndrome (PNKD3). Also called: Paroxysmal nonkinesigenic dyskinesia, 3, with or without generalized epilepsy; Generalized epilepsy and paroxysmal dyskinesia. Identifiers: Orphanet 79137, MedGen C5574945, MONDO:0012276, OMIM 609446.

Allele frequency attached by ClinVar (database versions not stated): TOPMed below 0.00001; gnomAD 0.00001.

Submissions (2):

GeneDx
Classification: Likely pathogenic. Last evaluated: 2023-08-26. Review status: criteria provided, single submitter. Criteria: GeneDx Variant Classification Process June 2021. Collection method: clinical testing. Allele origin: germline. Affected: yes.
Comment: Nonsense variant predicted to result in protein truncation or nonsense mediated decay in a gene for which loss-of-function is a known mechanism of disease; Not observed at significant frequency in large population cohorts (gnomAD); Has not been previously published as pathogenic or benign to our knowledge

Labcorp Genetics (formerly Invitae), Labcorp
Classification: Pathogenic for Generalized epilepsy-paroxysmal dyskinesia syndrome. Last evaluated: 2022-07-18. Review status: criteria provided, single submitter. Criteria: Invitae Variant Classification Sherloc (09022015). Collection method: clinical testing. Allele origin: germline.
Comment: For these reasons, this variant has been classified as Pathogenic. ClinVar contains an entry for this variant (Variation ID: 1447009). This variant has not been reported in the literature in individuals affected with KCNMA1-related conditions. This variant is not present in population databases (gnomAD no frequency). This sequence change creates a premature translational stop signal (p.Arg24*) in the KCNMA1 gene. It is expected to result in an absent or disrupted protein product. Loss-of-function variants in KCNMA1 are known to be pathogenic (PMID: 27567911, 29545233).

Literature cited by the submitters: PubMed 27567911 (cited by Labcorp Genetics (formerly Invitae), Labcorp); PubMed 29545233 (cited by Labcorp Genetics (formerly Invitae), Labcorp).